The following continues an entry in ClinVar:

NM_000218.3(KCNQ1):c.569G>A (p.Arg190Gln)

Gene: KCNQ1. ClinVar aggregate classification (germline): Pathogenic/Likely pathogenic. Pathogenic (15); Likely pathogenic (1).

Submissions 7 to 18 of 18:

Color Diagnostics, LLC DBA Color Health
Classification: Pathogenic for Cardiac arrhythmia. Last evaluated: 2024-05-10. Review status: criteria provided, single submitter. Criteria: ACMG Guidelines, 2015. Collection method: clinical testing. Allele origin: germline.
Comment: This missense variant replaces arginine with glutamine at codon 190 of the KCNQ1 protein. This variant is found within the highly conserved cytoplasmic linker region (a.a. 169-196). Rare non-truncating variants in this region have been shown to be significantly overrepresented in individuals with long QT syndrome (PMID: 32893267). Functional studies have shown that this variant causes a loss of KCNQ1 channel activity (PMID: 10376919, 10728423, 20660394). This variant has been reported in individuals affected with long QT syndrome (PMID: 17470695, 19841300, 21350584, 22949429, 23075154, 8528244, 10728423, 20660394, 32893267) and in individuals affected with Jervell and Lange-Nielsen syndrome (PMID: 22629021, 27485560). This variant has been shown to segregate with disease in multiple families affected with long QT syndrome (PMID: 8528244, 10728423, 20660394). This variant has been identified in 1/249462 chromosomes in the general population by the Genome Aggregation Database (gnomAD). Based on the available evidence, this variant is classified as Pathogenic.

Blueprint Genetics
Classification: Pathogenic for KCNQ1-related disorders. Last evaluated: 2024-05-03. Review status: criteria provided, single submitter. Criteria: ACMG Guidelines, 2015. Collection method: clinical testing. Allele origin: germline. Affected: yes. Observed: 5 variant alleles.

Laboratory for Molecular Medicine, Mass General Brigham Personalized Medicine
Classification: Likely pathogenic for Familial long QT syndrome. Last evaluated: 2022-06-30. Review status: criteria provided, single submitter. Criteria: ACMG Guidelines, 2015. Collection method: clinical testing. Allele origin: germline.
Comment: The p.Arg190Gln variant in KCNQ1 has been reported in at least 10 individuals with Long QT syndrome (LQTS) and segregated with disease in 6 affected individuals from 2 families (Wang 1996 PMID: 8528244, Wang 1999 PMID: 10376919, Chouabe 2000 PMID: 10728423, Barsheshet 2012 PMID: 22456477, Gao 2012 PMID: 22629021, Giudicessi 2012 PMID: 22949429, Ebrahim 2017 PMID: 28532774, Marschall 2019 PMID: 31737537, Westphal 2020 PMID: 32383558, Choi 2021 PMID: 34319147). It has also been identified in 1/113014 of European chromosomes by gnomAD. This variant has also been reported in ClinVar (Variation ID 3117). Computational prediction tools and conservation analyses suggest that this variant may impact the protein, though this information is not predictive enough to determine pathogenicity. In vitro and in vivo functional studies support an impact on protein function (Wang 1999 PMID: 10376919, Chouabe 2000 PMID: 10728423, Barsheshet 2012 PMID: 22456477). Another variant involving this codon (p.Arg190Leu) has been identified in individuals with LQTS and is classified as likely pathogenic by this laboratory. In summary, although additional studies are required to fully establish its clinical significance, this variant meets criteria to be classified as likely pathogenic for autosomal dominant LQTS. ACMG/AMP Criteria applied: PS4_Moderate, PM5, PP1_Moderate, PM2_Supporting, PP3, PS3_Moderate.

GeneDx
Classification: Pathogenic. Last evaluated: 2021-11-29. Review status: criteria provided, single submitter. Criteria: GeneDx Variant Classification Process June 2021. Collection method: clinical testing. Allele origin: germline. Affected: yes.
Comment: Not observed at a significant frequency in large population cohorts (Lek et al., 2016); Functional studies in both mammalian cultured cells and induced pluripotent stem cell-derived cardiomyocytes showed that the co-expression wild-type and R190Q mutant channels alters the delayed rectifier potassium current through a dominant negative effect (Chouabe et al., 2000; Moretti et al., 2010); In silico analysis supports that this missense variant has a deleterious effect on protein structure/function; This variant is associated with the following publications: (PMID: 23158531, 25825456, 27916777, 27041150, 22456477, 22629021, 10376919, 19862833, 10973849, 19716085, 17470695, 21350584, 15840476, 19841300, 14678125, 20660394, 27470144, 28182229, 22949429, 27485560, 28532774, 9386136, 8528244, 10728423, 28573431, 27917693, 30428582, 31737537, 32383558, 32665702)

MGZ Medical Genetics Center
Classification: Pathogenic for Long QT syndrome 1. Last evaluated: 2021-11-24. Review status: criteria provided, single submitter. Criteria: ACMG Guidelines, 2015. Collection method: clinical testing. Allele origin: germline. Affected: yes. Observed: 1 variant allele.
Comment: ACMG criteria applied: PS3, PS4, PM1, PM2_SUP, PP3

Institute of Medical Genetics and Applied Genomics, University Hospital Tübingen
Classification: Pathogenic. Last evaluated: 2020-10-23. Review status: criteria provided, single submitter. Criteria: ACMG Guidelines, 2015. Collection method: clinical testing. Allele origin: germline. Inheritance: Autosomal unknown. Affected: yes.

Clinical Genetics Laboratory, Region Ostergotland
Classification: Pathogenic for Long QT syndrome 1. Last evaluated: 2020-05-26. Review status: criteria provided, single submitter. Criteria: ACMG Guidelines, 2015. Collection method: clinical testing. Allele origin: germline. Affected: yes.
Comment: PS3, PS4, PM1, PM2, PP1, PP3, PP5, BP2, BP5

Women's Health and Genetics/Laboratory Corporation of America, LabCorp
Classification: Pathogenic for Cardiovascular phenotype. Last evaluated: 2017-05-05. Review status: criteria provided, single submitter. Criteria: LabCorp Variant Classification Summary - May 2015. Collection method: clinical testing. Allele origin: germline.
Comment: Variant summary: The KCNQ1 c.569G>A (p.Arg190Gln) variant causes a missense change involving the alteration of a highly conserved nucleotide. The variant is located within S2S3 cytoplasmic loop of transmembrane domain and 4/5 in silico tools predict a damaging outcome for this variant. The Arg190Gln was to proven to be a functionally abrogated by experimental studies where mutation led to a non-functional channel, independently of the presence of stimulation subunit IsK (Chouabe, 2000; Wang, 1999). The c.1550G>A was not identified in large, broad control datasets of ExAC and gnomAD (~120332 and ~246272 chrs tested, respectively), but is found in multiple LQTS individuals and segregated with the disease in several families (Wang, 1996; Chouabe, 2000; Gao, 2012). In addition, Arg190 appears to be a mutational hot-spot, as other alterations of this codon have been reported in association with LQTS (p.Arg190Leu, p.Arg190Trp). Lastly, multiple clinical diagnostic laboratories/reputable databases classified this variant as Pathogenic. Taken together, this variant is classified as Pathogenic.

Stanford Center for Inherited Cardiovascular Disease, Stanford University
Classification: Pathogenic. Last evaluated: 2014-12-02. Review status: criteria provided, single submitter. Criteria: ACMG Guidelines, 2015. Collection method: provider interpretation. Allele origin: germline.

Institute of Medical Genetics and Genomics, Sir Ganga Ram Hospital
Classification: Pathogenic for Long QT syndrome, LQT1 subtype. Last evaluated: 2013-01-01. Review status: criteria provided, single submitter. Criteria: Vyas et al. (Am J Med Genet A. 2016). Collection method: research. Allele origin: germline. Affected: yes. Observed: 1 variant allele. Study: Life Threatening Long QT Syndromes.

OMIM
Classification: Pathogenic for LONG QT SYNDROME 1. Last evaluated: 2010-10-07. Review status: no assertion criteria provided. Collection method: literature only. Allele origin: germline. Not counted in ClinVar's aggregate classification.

Cardiovascular Biomedical Research Unit, Royal Brompton & Harefield NHS Foundation Trust
No classification provided. Condition: Familial long QT syndrome. Review status: no classification provided. Collection method: literature only. Allele origin: germline. Not counted in ClinVar's aggregate classification.
Comment: This variant has been reported as associated with Long QT syndrome in the following publications (PMID:8528244;PMID:9386136;PMID:10728423;PMID:11668638;PMID:14678125;PMID:15051636;PMID:15840476;PMID:19716085;PMID:19841300;PMID:10376919;PMID:17470695;PMID:9693036;PMID:22456477;PMID:22629021). This is a literature report, and does not necessarily reflect the clinical interpretation of the Imperial College / Royal Brompton Cardiovascular Genetics laboratory.

Literature cited by the submitters: PubMed 8528244 (cited by 8 submitters); PubMed 10728423 (cited by 7 submitters); PubMed 17470695 (cited by 7 submitters); PubMed 20660394 (cited by 7 submitters); PubMed 22629021 (cited by 7 submitters); PubMed 10376919 (cited by 6 submitters); PubMed 11668638 (cited by Ambry Genetics and Cardiovascular Biomedical Research Unit, Royal Brompton & Harefield NHS Foundation Trust); PubMed 12522251 (cited by Ambry Genetics); PubMed 14678125 (cited by Ambry Genetics and Cardiovascular Biomedical Research Unit, Royal Brompton & Harefield NHS Foundation Trust); PubMed 15051636 (cited by Ambry Genetics and Cardiovascular Biomedical Research Unit, Royal Brompton & Harefield NHS Foundation Trust); PubMed 15840476 (cited by 3 submitters); PubMed 16414944 (cited by Ambry Genetics); PubMed 19716085 (cited by 3 submitters); PubMed 19841300 (cited by 5 submitters); PubMed 21350584 (cited by 4 submitters); PubMed 22456477 (cited by 3 submitters); PubMed 23075154 (cited by 3 submitters); PubMed 27041150 (cited by Ambry Genetics); PubMed 27485560 (cited by 4 submitters); PubMed 28182242 (cited by Ambry Genetics); PubMed 9386136 (cited by 3 submitters); PubMed 10973849 (cited by Mayo Clinic Laboratories, Mayo Clinic); PubMed 22949429 (cited by 3 submitters); PubMed 23158531 (cited by Mayo Clinic Laboratories, Mayo Clinic); PubMed 28532774 (cited by Mayo Clinic Laboratories, Mayo Clinic); PubMed 34428338 (cited by Mayo Clinic Laboratories, Mayo Clinic); PubMed 34505893 (cited by Mayo Clinic Laboratories, Mayo Clinic); PubMed 19632626 (cited by Victorian Clinical Genetics Services, Murdoch Childrens Research Institute); PubMed 28438721 (cited by Victorian Clinical Genetics Services, Murdoch Childrens Research Institute); PubMed 32011662 (cited by Victorian Clinical Genetics Services, Murdoch Childrens Research Institute); PubMed 32893267 (cited by All of Us Research Program, National Institutes of Health and Color Diagnostics, LLC DBA Color Health); PubMed 9693036 (cited by Cardiovascular Biomedical Research Unit, Royal Brompton & Harefield NHS Foundation Trust); PubMed 22581653 (cited by Cardiovascular Biomedical Research Unit, Royal Brompton & Harefield NHS Foundation Trust).